The following is an entry in ClinVar:

NM_020227.4(PRDM9):c.2042C>G (p.Thr681Ser)

Gene: PRDM9 (PR/SET domain 9; plus strand). Cytogenetic location: 5p14.2.
Variant type: single nucleotide variant.
Coding change: c.2042C>G on transcript NM_020227.4 (MANE Select); coding-DNA position 2042, C replaced by G.
Protein change: p.Thr681Ser; replaces threonine 681 with serine.
Molecular consequence: missense variant.
Genome position (GRCh38, 1-based): chr5:23,527,130, C>G. VCF-style: chr5-23527130-C-G. GRCh37 (hg19) VCF-style: chr5-23527239-C-G.
Other names: c.2042C>G, p.Thr681Ser (NM_001376900.1); short protein forms T681S.
Identifiers: ClinVar variation 436411 (VCV000436411.10), dbSNP rs6875787, ClinGen allele CA3215009.
Genomic context (GRCh38, chr5:23,527,130, plus strand): 5'-AGAAGCCCTATGTCTGCAGGGAGTGTGGGCGGGGCTTTAGCTGGCAGTCAGTCCTCCTCA[C>G]TCACCAGAGGACACACACAGGGGAGAAGCCCTATGTCTGCAGGGAGTGTGGGCGGGGCTT-3'
Protein context (NP_064612.2, residues 671-691): RGFSWQSVLL[Thr681Ser]HQRTHTGEKP

ClinVar aggregate classification (germline): Benign/Likely benign. Review status: criteria provided, multiple submitters, no conflicts (2 of 4 stars). 3 submissions from 3 submitters: Benign (1); Likely benign (2). Last evaluated 2021-06-09.

Allele frequency attached by ClinVar (database versions not stated): gnomAD 0.74556; ExAC 0.74757.

Submissions (3):

GeneDx
Classification: Benign. Last evaluated: 2021-06-09. Review status: criteria provided, single submitter. Criteria: GeneDx Variant Classification Process June 2021. Collection method: clinical testing. Allele origin: germline. Affected: yes.
Comment: This variant is associated with the following publications: (PMID: 20044539, 22291443, 20818382)

Genetic Services Laboratory, University of Chicago
Classification: Likely benign. Last evaluated: 2016-08-19. Review status: criteria provided, single submitter. Criteria: ACMG Guidelines, 2015. Collection method: clinical testing. Allele origin: germline. Affected: no.

Breakthrough Genomics
Classification: Likely benign. Review status: criteria provided, single submitter. Criteria: ACMG Guidelines, 2015. Collection method: not provided. Allele origin: germline. Inheritance: Unknown mechanism. Affected: yes.